The following is an entry in ClinVar:

ClinVar aggregate classification (germline): Uncertain significance (1 of 4 stars; one submission).

Submission:

Labcorp Genetics (formerly Invitae), Labcorp
Classification: Uncertain significance. Last evaluated: 2023-09-27. Review status: criteria provided, single submitter. Criteria: Invitae Variant Classification Sherloc (09022015). Collection method: clinical testing. Allele origin: germline.
Comment: This sequence change replaces isoleucine, which is neutral and non-polar, with phenylalanine, which is neutral and non-polar, at codon 627 of the FLNB protein (p.Ile627Phe). In summary, the available evidence is currently insufficient to determine the role of this variant in disease. Therefore, it has been classified as a Variant of Uncertain Significance. Advanced modeling of protein sequence and biophysical properties (such as structural, functional, and spatial information, amino acid conservation, physicochemical variation, residue mobility, and thermodynamic stability) performed at Invitae indicates that this missense variant is not expected to disrupt FLNB protein function. This variant has not been reported in the literature in individuals affected with FLNB-related conditions. This variant is not present in population databases (gnomAD no frequency).

NM_001457.4(FLNB):c.1879A>T (p.Ile627Phe)

Gene: FLNB (filamin B; plus strand). Cytogenetic location: 3p14.3.
Variant type: single nucleotide variant.
Coding change: c.1879A>T on transcript NM_001457.4 (MANE Select); coding-DNA position 1879, A replaced by T.
Protein change: p.Ile627Phe; replaces isoleucine 627 with phenylalanine.
Molecular consequence: missense variant.
Genome position (GRCh38, 1-based): chr3:58,106,811, A>T. VCF-style: chr3-58106811-A-T. GRCh37 (hg19) VCF-style: chr3-58092538-A-T.
Other names: c.1879A>T, p.Ile627Phe (NM_001164317.2, NM_001164318.2, NM_001164319.2); short protein forms I627F.
Identifiers: ClinVar variation 2763708 (VCV002763708.3), dbSNP rs2097260484, ClinGen allele CA353340737.